The following is an entry in ClinVar:

NM_000090.4(COL3A1):c.3410G>A (p.Gly1137Asp)

Gene: COL3A1 (collagen type III alpha 1 chain; plus strand). Cytogenetic location: 2q32.2.
Variant type: single nucleotide variant.
Coding change: c.3410G>A on transcript NM_000090.4 (MANE Select); coding-DNA position 3410, G replaced by A.
Protein change: p.Gly1137Asp; replaces glycine 1137 with aspartic acid.
Molecular consequence: missense variant.
Genome position (GRCh38, 1-based): chr2:189,007,931, G>A. VCF-style: chr2-189007931-G-A. GRCh37 (hg19) VCF-style: chr2-189872657-G-A.
Identifiers: ClinVar variation 101493 (VCV000101493.4), dbSNP rs587779720, ClinGen allele CA006357.

ClinVar aggregate classification (germline): Pathogenic. Review status: criteria provided, single submitter (1 of 4 stars). 2 submissions from 2 submitters: Pathogenic (1). 1 of the submissions does not count toward it. Last evaluated 2024-02-02.

Conditions:
Ehlers-Danlos syndrome, type 4 (EDSVASC). Also called: Ehlers-Danlos syndrome vascular type; Ehlers Danlos syndrome, ecchymotic type; Ehlers Danlos syndrome, arterial type; Ehlers Danlos syndrome, Sack-Barabas type; Ehlers-Danlos Syndrome Type IV. Identifiers: Orphanet 286, MedGen C0268338, MONDO:0017314, OMIM 130050.

Submissions (2):

Labcorp Genetics (formerly Invitae), Labcorp
Classification: Pathogenic for Ehlers-Danlos syndrome, type 4. Last evaluated: 2024-02-02. Review status: criteria provided, single submitter. Criteria: Invitae Variant Classification Sherloc (09022015). Collection method: clinical testing. Allele origin: germline.
Comment: This sequence change replaces glycine, which is neutral and non-polar, with aspartic acid, which is acidic and polar, at codon 1137 of the COL3A1 protein (p.Gly1137Asp). This variant is not present in population databases (gnomAD no frequency). This missense change has been observed in individuals with clinical features of Ehlers–Danlos syndrome (PMID: 24922459, 25644172; Invitae). ClinVar contains an entry for this variant (Variation ID: 101493). Advanced modeling of protein sequence and biophysical properties (such as structural, functional, and spatial information, amino acid conservation, physicochemical variation, residue mobility, and thermodynamic stability) performed at Invitae indicates that this missense variant is expected to disrupt COL3A1 protein function with a positive predictive value of 95%. This variant disrupts the triple helix domain of COL3A1. Glycine residues within the Gly-Xaa-Yaa repeats of the triple helix domain are required for the structure and stability of fibrillar collagens (PMID: 7695699, 8218237, 19344236). In COL3A1, variants that affect these glycine residues are significantly enriched in individuals with disease (PMID: 24922459, 25758994) compared to the general population (ExAC). For these reasons, this variant has been classified as Pathogenic.

Collagen Diagnostic Laboratory, University of Washington
Classification: Pathogenic for Ehlers-Danlos syndrome, type 4. Review status: no assertion criteria provided. Collection method: clinical testing. Allele origin: germline. Affected: yes. Not counted in ClinVar's aggregate classification.

Literature cited by the submitters: PubMed 24922459 (cited by Labcorp Genetics (formerly Invitae), Labcorp); PubMed 25644172 (cited by Labcorp Genetics (formerly Invitae), Labcorp); PubMed 7695699 (cited by Labcorp Genetics (formerly Invitae), Labcorp); PubMed 8218237 (cited by Labcorp Genetics (formerly Invitae), Labcorp); PubMed 19344236 (cited by Labcorp Genetics (formerly Invitae), Labcorp); PubMed 25758994 (cited by Labcorp Genetics (formerly Invitae), Labcorp).